The following is an entry in ClinVar:

NM_000238.4(KCNH2):c.1600C>A (p.Arg534Ser)

Gene: KCNH2 (potassium voltage-gated channel subfamily H member 2; minus strand). Cytogenetic location: 7q36.1.
Variant type: single nucleotide variant.
Coding change: c.1600C>A on transcript NM_000238.4 (MANE Select); coding-DNA position 1600, C replaced by A.
Protein change: p.Arg534Ser; replaces arginine 534 with serine.
Molecular consequence: missense variant.
Genome position (GRCh38, 1-based): chr7:150,951,793, G>T on the plus strand (C>A on the coding strand, the complement: KCNH2 is on the minus strand). VCF-style: chr7-150951793-G-T. GRCh37 (hg19) VCF-style: chr7-150648881-G-T.
Other names: p.R534S:CGC>AGC; c.580C>A, p.Arg194Ser (NM_001204798.2, NM_172057.3); c.1312C>A, p.Arg438Ser (NM_001406753.1, NM_001406756.1); c.1423C>A, p.Arg475Ser (NM_001406755.1); c.1300C>A, p.Arg434Ser (NM_001406757.1); c.1600C>A, p.Arg534Ser (NM_172056.3); short protein forms R194S, R534S, R438S, R475S, R434S.
Identifiers: ClinVar variation 200728 (VCV000200728.12), dbSNP rs199472916, ClinGen allele CA004896.

ClinVar aggregate classification (germline): Conflicting classifications of pathogenicity. Review status: criteria provided, conflicting classifications (1 of 4 stars). 2 submissions from 2 submitters: Likely pathogenic (1); Uncertain significance (1). Last evaluated 2024-04-10.

Conditions:
Long QT syndrome (LQTS). Identifiers: MedGen C0023976, MeSH D008133, MONDO:0002442. Disease mechanism: loss of function. Inheritance: Various modes of inheritance.

gnomAD v4.1: 1 of 1,589,886 alleles (0.000063%); highest among the groups gnomAD compares: Non-Finnish European, 0.000086%; no homozygotes.

Submissions (2):

Labcorp Genetics (formerly Invitae), Labcorp
Classification: Uncertain significance for Long QT syndrome. Last evaluated: 2024-04-10. Review status: criteria provided, single submitter. Criteria: Invitae Variant Classification Sherloc (09022015). Collection method: clinical testing. Allele origin: germline.
Comment: This sequence change replaces arginine, which is basic and polar, with serine, which is neutral and polar, at codon 534 of the KCNH2 protein (p.Arg534Ser). This variant is not present in population databases (gnomAD no frequency). This missense change has been observed in individuals with clinical features of long QT syndrome (Invitae). ClinVar contains an entry for this variant (Variation ID: 200728). An algorithm developed to predict the effect of missense changes on protein structure and function (PolyPhen-2) suggests that this variant is likely to be disruptive. This variant disrupts the p.Arg534 amino acid residue in KCNH2. Other variant(s) that disrupt this residue have been determined to be pathogenic (PMID: 9600240, 10690305, 16432067). This suggests that this residue is clinically significant, and that variants that disrupt this residue are likely to be disease-causing. In summary, the available evidence is currently insufficient to determine the role of this variant in disease. Therefore, it has been classified as a Variant of Uncertain Significance.

GeneDx
Classification: Likely pathogenic. Last evaluated: 2023-10-31. Review status: criteria provided, single submitter. Criteria: GeneDx Variant Classification Process June 2021. Collection method: clinical testing. Allele origin: germline. Affected: yes.
Comment: Has not been previously published as pathogenic or benign to our knowledge; Not observed at significant frequency in large population cohorts (gnomAD); In silico analysis supports that this missense variant has a deleterious effect on protein structure/function

Literature cited by the submitters: PubMed 9600240 (cited by Labcorp Genetics (formerly Invitae), Labcorp); PubMed 10690305 (cited by Labcorp Genetics (formerly Invitae), Labcorp); PubMed 16432067 (cited by Labcorp Genetics (formerly Invitae), Labcorp).